The following is an entry in ClinVar:

ClinVar aggregate classification (germline): Uncertain significance (1 of 4 stars; one submission).

Conditions:
GNAS-related disorder. Identifiers: MedGen CN380105.

Submission:

3billion
Classification: Uncertain significance for GNAS-related disorder. Last evaluated: 2025-07-08. Review status: criteria provided, single submitter. Criteria: ACMG Guidelines, 2015. Collection method: clinical testing. Allele origin: germline. Affected: yes.
Comment: The variant is not observed in the gnomAD v4.1.0 dataset. Predicted Consequence/Location: Missense variant In silico tool predictions suggest damaging effect of the variant on gene or gene product [REVEL: 0.95 (>=0.6, sensitivity 0.68 and specificity 0.92); 3Cnet: 0.97 (> 0.75, sensitivity 0.96 and precision 0.92)]. Therefore, this variant is classified as VUS according to the recommendation of ACMG/AMP guideline.

NM_000516.7(GNAS):c.1181T>G (p.Leu394Arg)

Gene: GNAS (GNAS complex locus; plus strand). Cytogenetic location: 20q13.32.
Variant type: single nucleotide variant.
Coding change: c.1181T>G on transcript NM_000516.7 (MANE Select); coding-DNA position 1181, T replaced by G.
Protein change: p.Leu394Arg; replaces leucine 394 with arginine.
Molecular consequence: missense variant. On other transcripts: 3 prime UTR variant (2).
Genome position (GRCh38, 1-based): chr20:58,910,825, T>G. VCF-style: chr20-58910825-T-G. GRCh37 (hg19) VCF-style: chr20-57485880-T-G.
Other names: c.1184T>G, p.Leu395Arg (NM_001077488.5); c.1136T>G, p.Leu379Arg (NM_001077489.4); c.*1042T>G (NM_001077490.3); c.1004T>G, p.Leu335Arg (NM_001309840.2, NM_001309861.2, NM_001438276.1 and 1 more transcripts); c.1085T>G, p.Leu362Arg (NM_001410912.1); c.3065T>G, p.Leu1022Arg (NM_001410913.1); c.959T>G, p.Leu320Arg (NM_001438273.1, NM_001438274.1, NM_001438275.1); c.*1087T>G (NM_016592.5); and 2 more; short protein forms L1022R, L1037R, L320R, L335R, L362R, L379R, L380R, L394R.
Identifiers: ClinVar variation 4856272 (VCV004856272.1).